The following is an entry in ClinVar:

NM_004484.4(GPC3):c.236A>G (p.Glu79Gly)

Gene: GPC3 (glypican 3; minus strand). Cytogenetic location: Xq26.2.
Variant type: single nucleotide variant.
Coding change: c.236A>G on transcript NM_004484.4 (MANE Select); coding-DNA position 236, A replaced by G.
Protein change: p.Glu79Gly; replaces glutamic acid 79 with glycine.
Molecular consequence: missense variant. On other transcripts: intron variant (1).
Genome position (GRCh38, 1-based): chrX:133,953,151, T>C on the plus strand (A>G on the coding strand, the complement: GPC3 is on the minus strand). VCF-style: chrX-133953151-T-C. GRCh37 (hg19) VCF-style: chrX-133087178-T-C.
Other names: c.236A>G, p.Glu79Gly (NM_001164617.2, NM_001164618.2); c.175+32124A>G (NM_001164619.2); short protein forms E79G.
Identifiers: ClinVar variation 948399 (VCV000948399.10), dbSNP rs2076400695, ClinGen allele CA414707492.

ClinVar aggregate classification (germline): Uncertain significance (1 of 4 stars; one submission).

Conditions:
Wilms tumor 1 (WT1). Also called: Wilms tumor, somatic. Identifiers: Orphanet 654, MedGen CN033288, MONDO:0008679, OMIM 194070.

Submission:

Labcorp Genetics (formerly Invitae), Labcorp
Classification: Uncertain significance for Wilms tumor 1. Last evaluated: 2019-07-04. Review status: criteria provided, single submitter. Criteria: Invitae Variant Classification Sherloc (09022015). Collection method: clinical testing. Allele origin: germline.
Comment: This sequence change replaces glutamic acid with glycine at codon 79 of the GPC3 protein (p.Glu79Gly). The glutamic acid residue is moderately conserved and there is a moderate physicochemical difference between glutamic acid and glycine. This variant is not present in population databases (ExAC no frequency). This variant has not been reported in the literature in individuals with GPC3-related conditions. Algorithms developed to predict the effect of missense changes on protein structure and function are either unavailable or do not agree on the potential impact of this missense change (SIFT: "Tolerated"; PolyPhen-2: "Probably Damaging"; Align-GVGD: "Class C0"). In summary, the available evidence is currently insufficient to determine the role of this variant in disease. Therefore, it has been classified as a Variant of Uncertain Significance.